The following is an entry in ClinVar:

ClinVar aggregate classification (germline): Uncertain significance (1 of 4 stars; one submission).

Allele frequency attached by ClinVar (database versions not stated): gnomAD exomes below 0.00001.
gnomAD v4.1: 2 of 1,606,882 alleles (0.00012%); highest among the groups gnomAD compares: Non-Finnish European, 0.00017%; no homozygotes.

Submission:

Ambry Genetics
Classification: Uncertain significance. Last evaluated: 2024-06-19. Review status: criteria provided, single submitter. Criteria: Ambry Variant Classification Scheme 2023. Collection method: clinical testing. Allele origin: germline.
Comment: The p.T626A variant (also known as c.1876A>G), located in coding exon 17 of the RAD54L gene, results from an A to G substitution at nucleotide position 1876. The threonine at codon 626 is replaced by alanine, an amino acid with similar properties. This amino acid position is conserved. In addition, this alteration is predicted to be deleterious by in silico analysis. Since supporting evidence is limited at this time, the clinical significance of this alteration remains unclear.

NM_003579.4(RAD54L):c.1876A>G (p.Thr626Ala)

Genes: LRRC41 (leucine rich repeat containing 41; minus strand), RAD54L (RAD54 like; plus strand). Cytogenetic location: 1p34.1.
Variant type: single nucleotide variant.
Coding change: c.1876A>G on transcript NM_003579.4 (MANE Select); coding-DNA position 1876, A replaced by G.
Protein change: p.Thr626Ala; replaces threonine 626 with alanine.
Molecular consequence: missense variant. On other transcripts: 3 prime UTR variant (1).
Genome position (GRCh38, 1-based): chr1:46,277,823, A>G. VCF-style: chr1-46277823-A-G. GRCh37 (hg19) VCF-style: chr1-46743495-A-G.
Other names: c.*1042T>C (NM_006369.5); c.1876A>G, p.Thr626Ala (NM_001142548.2); c.1336A>G, p.Thr446Ala (NM_001370766.1); short protein forms T446A, T626A.
Identifiers: ClinVar variation 1781777 (VCV001781777.3), dbSNP rs2525729156, ClinGen allele CA340188827.